The following is an entry in ClinVar:

ClinVar aggregate classification (germline): Uncertain significance (1 of 4 stars; one submission).

Conditions:
Multiple acyl-CoA dehydrogenase deficiency (MADD). Also called: Glutaric Acidemia type 2; ETHYLMALONIC-ADIPICACIDURIA; GA II; Glutaric aciduria, type 2; Glutaric acidemia type II; GA 2. Identifiers: Orphanet 26791, MedGen C0268596, MONDO:0009282, OMIM 231680.

Submission:

Labcorp Genetics (formerly Invitae), Labcorp
Classification: Uncertain significance for Multiple acyl-CoA dehydrogenase deficiency. Last evaluated: 2022-07-30. Review status: criteria provided, single submitter. Criteria: Invitae Variant Classification Sherloc (09022015). Collection method: clinical testing. Allele origin: germline.
Comment: In summary, the available evidence is currently insufficient to determine the role of this variant in disease. Therefore, it has been classified as a Variant of Uncertain Significance. Advanced modeling of protein sequence and biophysical properties (such as structural, functional, and spatial information, amino acid conservation, physicochemical variation, residue mobility, and thermodynamic stability) performed at Invitae indicates that this missense variant is expected to disrupt ETFDH protein function. This variant has not been reported in the literature in individuals affected with ETFDH-related conditions. This variant is not present in population databases (gnomAD no frequency). This sequence change replaces asparagine, which is neutral and polar, with aspartic acid, which is acidic and polar, at codon 528 of the ETFDH protein (p.Asn528Asp).

NM_004453.4(ETFDH):c.1582A>G (p.Asn528Asp)

Gene: ETFDH (electron transfer flavoprotein dehydrogenase; plus strand). Cytogenetic location: 4q32.1.
Variant type: single nucleotide variant.
Coding change: c.1582A>G on transcript NM_004453.4 (MANE Select); coding-DNA position 1582, A replaced by G.
Protein change: p.Asn528Asp; replaces asparagine 528 with aspartic acid.
Molecular consequence: missense variant.
Genome position (GRCh38, 1-based): chr4:158,706,742, A>G. VCF-style: chr4-158706742-A-G. GRCh37 (hg19) VCF-style: chr4-159627894-A-G.
Other names: c.1441A>G, p.Asn481Asp (NM_001281737.2); c.1399A>G, p.Asn467Asp (NM_001281738.1); short protein forms N467D, N528D, N481D.
Identifiers: ClinVar variation 1961796 (VCV001961796.5), dbSNP rs2476735506, ClinGen allele CA358564909.
Genomic context (GRCh38, chr4:158,706,742, plus strand): 5'-CCAAAACCCGATGGACAGATCAGTTTTGACCTCTTGTCATCTGTGGCTCTGAGTGGTACT[A>G]ATCATGAACATGACCAGCCGGCACACTTAACCTTAAGGGATGACAGTATACCTGTAAATA-3'
Protein context (NP_004444.2, residues 518-538): LLSSVALSGT[Asn528Asp]HEHDQPAHLT